The following is an entry in ClinVar:

NM_005591.4(MRE11):c.1261C>A (p.Pro421Thr)

Gene: MRE11 (MRE11 double strand break repair nuclease; minus strand). Cytogenetic location: 11q21.
Variant type: single nucleotide variant.
Coding change: c.1261C>A on transcript NM_005591.4 (MANE Select); coding-DNA position 1261, C replaced by A.
Protein change: p.Pro421Thr; replaces proline 421 with threonine.
Molecular consequence: missense variant.
Genome position (GRCh38, 1-based): chr11:94,461,001, G>T on the plus strand (C>A on the coding strand, the complement: MRE11 is on the minus strand). VCF-style: chr11-94461001-G-T. GRCh37 (hg19) VCF-style: chr11-94194167-G-T.
Other names: c.1261C>A, p.Pro421Thr (NM_001330347.2, NM_005590.4); short protein forms P421T.
Identifiers: ClinVar variation 3397895 (VCV003397895.1).

ClinVar aggregate classification (germline): Uncertain significance (1 of 4 stars; one submission).

Conditions:
Hereditary cancer-predisposing syndrome. Also called: Hereditary Cancer Syndrome; Tumor predisposition; Hereditary neoplastic syndrome; Neoplastic Syndromes, Hereditary. Identifiers: Orphanet 140162, MedGen C0027672, MeSH D009386, MONDO:0015356.

gnomAD v4.1: 2 of 1,613,446 alleles (0.00012%); highest among the groups gnomAD compares: African/African-American, 0.0027%; no homozygotes.

Submission:

Ambry Genetics
Classification: Uncertain significance for Hereditary cancer-predisposing syndrome. Last evaluated: 2024-11-30. Review status: criteria provided, single submitter. Criteria: Ambry Variant Classification Scheme 2023. Collection method: clinical testing. Allele origin: germline.
Comment: The p.P421T variant (also known as c.1261C>A), located in coding exon 11 of the MRE11A gene, results from a C to A substitution at nucleotide position 1261. The proline at codon 421 is replaced by threonine, an amino acid with highly similar properties. This amino acid position is conserved. In addition, this alteration is predicted to be tolerated by in silico analysis. Based on the available evidence, the clinical significance of this variant remains unclear.